The following is an entry in ClinVar:

NM_000521.4(HEXB):c.758del (p.Glu253fs)

Gene: HEXB (hexosaminidase subunit beta; plus strand). Cytogenetic location: 5q13.3.
Variant type: Deletion.
Coding change: c.758del on transcript NM_000521.4 (MANE Select); coding-DNA position 758, one base deleted (A; older notation c.758delA).
Protein change: p.Glu253fs; shifts the reading frame from glutamic acid 253.
Molecular consequence: frameshift variant.
Genome position (GRCh38, 1-based): chr5:74,705,307, A deleted. VCF-style (leftmost placement, unchanged base first): chr5-74705306-GA-G. GRCh37 (hg19) VCF-style: chr5-74001131-GA-G.
Other names: c.83del, p.Glu28fs (NM_001292004.2); short protein forms E253fs, E28fs.
Identifiers: ClinVar variation 2089991 (VCV002089991.4), dbSNP rs2478732243, ClinGen allele CA2578364301.
Genomic context (GRCh38, chr5:74,705,306, plus strand): 5'-GTTCTTCACTGGCACATAGTTGATGACCAGTCTTTCCCATATCAGAGCATCACTTTTCCT[GA>G]GTTAAGCAATAAAGTGAGTAAATTGTATTGTACTCTGTCTACAAAAACATTGGGTATAGT-3'

ClinVar aggregate classification (germline): Pathogenic (1 of 4 stars; one submission).

Conditions:
Sandhoff disease. Also called: Beta-hexosaminidase-beta-subunit deficiency; GM2 gangliosidosis, type 2; Total hexosaminidase deficiency; Sandhoff-Jatzkewitz-Pilz disease; GM2-GANGLIOSIDOSIS, TYPE II; HEXOSAMINIDASES A AND B DEFICIENCY. Identifiers: Orphanet 796, MedGen C0036161, MONDO:0010006, OMIM 268800.

Submission:

Labcorp Genetics (formerly Invitae), Labcorp
Classification: Pathogenic for Sandhoff disease. Last evaluated: 2022-02-07. Review status: criteria provided, single submitter. Criteria: Invitae Variant Classification Sherloc (09022015). Collection method: clinical testing. Allele origin: germline.
Comment: This variant is not present in population databases (gnomAD no frequency). This sequence change creates a premature translational stop signal (p.Glu253Glyfs*2) in the HEXB gene. It is expected to result in an absent or disrupted protein product. Loss-of-function variants in HEXB are known to be pathogenic (PMID: 7550345, 18758829). This variant has not been reported in the literature in individuals affected with HEXB-related conditions. For these reasons, this variant has been classified as Pathogenic.

Literature cited by the submitters: PubMed 7550345; PubMed 18758829.